The following is an entry in ClinVar:

ClinVar aggregate classification (germline): Uncertain significance. Review status: criteria provided, multiple submitters, no conflicts (2 of 4 stars). 2 submissions from 2 submitters: Uncertain significance (2). Last evaluated 2022-05-20.

Allele frequency attached by ClinVar (database versions not stated): gnomAD exomes 0.00003 and 0.00005; gnomAD 0.00007; ExAC 0.00009; TOPMed 0.00010; ESP Exome Variant Server 0.00024.
gnomAD v4.1: 85 of 1,596,378 alleles (0.0053%); highest among the groups gnomAD compares: African/African-American, 0.015%; no homozygotes.

Submissions (2):

Labcorp Genetics (formerly Invitae), Labcorp
Classification: Uncertain significance. Last evaluated: 2022-05-20. Review status: criteria provided, single submitter. Criteria: Invitae Variant Classification Sherloc (09022015). Collection method: clinical testing. Allele origin: germline.
Comment: This sequence change replaces proline, which is neutral and non-polar, with leucine, which is neutral and non-polar, at codon 646 of the DOCK6 protein (p.Pro646Leu). The frequency data for this variant in the population databases is considered unreliable, as metrics indicate poor data quality at this position in the gnomAD database. This variant has not been reported in the literature in individuals affected with DOCK6-related conditions. ClinVar contains an entry for this variant (Variation ID: 593197). Algorithms developed to predict the effect of missense changes on protein structure and function are either unavailable or do not agree on the potential impact of this missense change (SIFT: "Deleterious"; PolyPhen-2: "Benign"; Align-GVGD: "Class C0"). In summary, the available evidence is currently insufficient to determine the role of this variant in disease. Therefore, it has been classified as a Variant of Uncertain Significance.

Eurofins Ntd Llc (ga)
Classification: Uncertain significance. Last evaluated: 2017-07-13. Review status: criteria provided, single submitter. Criteria: EGL Classification Definitions 2015. Collection method: clinical testing. Allele origin: germline. Observed: 1 variant allele, 1 heterozygote.

NM_020812.4(DOCK6):c.1937C>T (p.Pro646Leu)

Gene: DOCK6 (dedicator of cytokinesis 6; minus strand). Cytogenetic location: 19p13.2.
Variant type: single nucleotide variant.
Coding change: c.1937C>T on transcript NM_020812.4 (MANE Select); coding-DNA position 1937, C replaced by T.
Protein change: p.Pro646Leu; replaces proline 646 with leucine.
Molecular consequence: missense variant.
Genome position (GRCh38, 1-based): chr19:11,237,675, G>A on the plus strand (C>T on the coding strand, the complement: DOCK6 is on the minus strand). VCF-style: chr19-11237675-G-A. GRCh37 (hg19) VCF-style: chr19-11348351-G-A.
Other names: c.1937C>T, p.Pro646Leu (NM_001367830.1); short protein forms P646L.
Identifiers: ClinVar variation 593197 (VCV000593197.7), dbSNP rs199916274, ClinGen allele CA9207799.
Genomic context (GRCh38, chr19:11,237,675, plus strand): 5'-GGGGAGGGAGGGAGGGGACGGCTCACAGTAAAGCCCACGGGTGTCTCCAGGGCAGTGCCC[G>A]GCCGGGGCTGGCAGCTGACATGGTAGAAGGTGAACAGCAGGTGATGGTTCTCTGTCACGC-3'
Protein context (NP_065863.2, residues 636-656): TFYHVSCQPR[Pro646Leu]GTALETPVGF